The following is an entry in ClinVar:

ClinVar aggregate classification (germline): Uncertain significance (1 of 4 stars; one submission).

Allele frequency attached by ClinVar (database versions not stated): gnomAD exomes 0.00001; ExAC 0.00002.
gnomAD v4.1: 10 of 1,613,446 alleles (0.00062%); highest among the groups gnomAD compares: South Asian, 0.0055%; no homozygotes.

Submission:

Labcorp Genetics (formerly Invitae), Labcorp
Classification: Uncertain significance. Last evaluated: 2024-04-06. Review status: criteria provided, single submitter. Criteria: Invitae Variant Classification Sherloc (09022015). Collection method: clinical testing. Allele origin: germline.
Comment: This sequence change replaces glutamine, which is neutral and polar, with arginine, which is basic and polar, at codon 777 of the ITGAM protein (p.Gln777Arg). This variant is present in population databases (rs773591222, gnomAD 0.007%). This variant has not been reported in the literature in individuals affected with ITGAM-related conditions. ClinVar contains an entry for this variant (Variation ID: 1942783). An algorithm developed to predict the effect of missense changes on protein structure and function (PolyPhen-2) suggests that this variant is likely to be tolerated. In summary, the available evidence is currently insufficient to determine the role of this variant in disease. Therefore, it has been classified as a Variant of Uncertain Significance.

NM_000632.4(ITGAM):c.2330A>G (p.Gln777Arg)

Gene: ITGAM (integrin subunit alpha M; plus strand). Cytogenetic location: 16p11.2.
Variant type: single nucleotide variant.
Coding change: c.2330A>G on transcript NM_000632.4 (MANE Select); coding-DNA position 2330, A replaced by G.
Protein change: p.Gln777Arg; replaces glutamine 777 with arginine.
Molecular consequence: missense variant.
Genome position (GRCh38, 1-based): chr16:31,324,998, A>G. VCF-style: chr16-31324998-A-G. GRCh37 (hg19) VCF-style: chr16-31336319-A-G.
Other names: c.2333A>G, p.Gln778Arg (NM_001145808.2); short protein forms Q778R, Q777R.
Identifiers: ClinVar variation 1942783 (VCV001942783.5), dbSNP rs773591222, ClinGen allele CA8025791.